The following is an entry in ClinVar:

NM_001037.5(SCN1B):c.*447A>G

Gene: SCN1B (sodium voltage-gated channel beta subunit 1; plus strand). Cytogenetic location: 19q13.11.
Variant type: single nucleotide variant.
Coding change: c.*447A>G on transcript NM_001037.5 (MANE Select); 447 bases downstream of the stop codon, A replaced by G.
Molecular consequence: 3 prime UTR variant.
Genome position (GRCh38, 1-based): chr19:35,040,238, A>G. VCF-style: chr19-35040238-A-G. GRCh37 (hg19) VCF-style: chr19-35531142-A-G.
Other names: c.*447A>G (NM_001321605.2).
Identifiers: ClinVar variation 890063 (VCV000890063.4), dbSNP rs550484951, ClinGen allele CA307708279.

ClinVar aggregate classification (germline): Benign/Likely benign. Review status: criteria provided, single submitter (1 of 4 stars). 2 submissions from 1 submitter: Benign (1); Likely benign (1). Last evaluated 2018-01-13.

Conditions:
Brugada syndrome 5 (BRGDA5). Identifiers: Orphanet 130, Orphanet 871, MedGen C2748541, MONDO:0013015, OMIM 612838.
Generalized epilepsy with febrile seizures plus, type 1 (GEFSP1). Also called: GEFS+, TYPE 1. Identifiers: Orphanet 36387, MedGen C1858672, MONDO:0011416, OMIM 604233.

Allele frequency attached by ClinVar (database versions not stated): TOPMed 0.00032; 1000 Genomes Project 0.00060.

Submissions (2):

Illumina Laboratory Services, Illumina
Classification: Benign for Brugada syndrome 5. Last evaluated: 2018-01-13. Review status: criteria provided, single submitter. Criteria: ICSL Variant Classification Criteria 13 December 2019. Collection method: clinical testing. Allele origin: germline.
Comment: This variant was observed in the ICSL laboratory as part of a predisposition screen in an ostensibly healthy population. It had not been previously curated by ICSL or reported in the Human Gene Mutation Database (HGMD: prior to June 1st, 2018), and was therefore a candidate for classification through an automated scoring system. Utilizing variant allele frequency, disease prevalence and penetrance estimates, and inheritance mode, an automated score was calculated to assess if this variant is too frequent to cause the disease. Based on the score and internal cut-off values, a variant classified as benign is not then subjected to further curation. The score for this variant resulted in a classification of benign for this disease.

Illumina Laboratory Services, Illumina
Classification: Likely benign for Generalized epilepsy with febrile seizures plus, type 1. Last evaluated: 2018-01-13. Review status: criteria provided, single submitter. Criteria: ICSL Variant Classification Criteria 13 December 2019. Collection method: clinical testing. Allele origin: germline.
Comment: This variant was observed in the ICSL laboratory as part of a predisposition screen in an ostensibly healthy population. It had not been previously curated by ICSL or reported in the Human Gene Mutation Database (HGMD: prior to June 1st, 2018), and was therefore a candidate for classification through an automated scoring system. Utilizing variant allele frequency, disease prevalence and penetrance estimates, and inheritance mode, an automated score was calculated to assess if this variant is too frequent to cause the disease. Based on the score and internal cut-off values, a variant classified as likely benign is not then subjected to further curation. The score for this variant resulted in a classification of likely benign for this disease.